The following is an entry in ClinVar:

NM_014362.4(HIBCH):c.885A>G (p.Gln295=)

Gene: HIBCH (3-hydroxyisobutyryl-CoA hydrolase; minus strand). Cytogenetic location: 2q32.2.
Variant type: single nucleotide variant.
Coding change: c.885A>G on transcript NM_014362.4 (MANE Select); coding-DNA position 885, A replaced by G.
Protein change: p.Gln295=; no amino-acid change (glutamine 295 retained).
Molecular consequence: synonymous variant.
Genome position (GRCh38, 1-based): chr2:190,244,893, T>C on the plus strand (A>G on the coding strand, the complement: HIBCH is on the minus strand). VCF-style: chr2-190244893-T-C. GRCh37 (hg19) VCF-style: chr2-191109619-T-C.
Other names: c.885A>G, p.Gln295= (NM_198047.3).
Identifiers: ClinVar variation 724483 (VCV000724483.12), dbSNP rs778683855, ClinGen allele CA2027453.

ClinVar aggregate classification (germline): Likely benign. Review status: criteria provided, multiple submitters, no conflicts (2 of 4 stars). 4 submissions from 4 submitters: Likely benign (3). 1 of the submissions does not count toward it. Last evaluated 2026-08-01.

Conditions:
HIBCH-related disorder. Also called: HIBCH-related condition.
3-hydroxyisobutyryl-CoA hydrolase deficiency. Also called: Reduced circulating 3-hydroxyisobutyryl-CoA hydrolase activity; Deficiency of 3-hydroxyisobutyryl CoA hydrolase; HIBCH DEFICIENCY; METHACRYLIC ACID TOXICITY; METHACRYLIC ACIDURIA; VALINE METABOLIC DEFECT. Identifiers: Orphanet 88639, MedGen C0342738, MONDO:0009603, OMIM 250620, HP:6000215.

Allele frequency attached by ClinVar (database versions not stated): ExAC 0.00007; gnomAD exomes 0.00007 and 0.00020; TOPMed 0.00010; gnomAD 0.00011.
gnomAD v4.1: 314 of 1,604,516 alleles (0.02%); highest among the groups gnomAD compares: Non-Finnish European, 0.025%; 1 homozygote.

Submissions (4):

CeGaT Center for Human Genetics Tuebingen
Classification: Likely benign. Last evaluated: 2026-08-01. Review status: criteria provided, single submitter. Criteria: CeGaT Center For Human Genetics Tuebingen Variant Classification Criteria Version 2. Collection method: clinical testing. Allele origin: germline. Affected: yes. Observed: 1 variant allele.
Comment: HIBCH: BP4, BP7

Labcorp Genetics (formerly Invitae), Labcorp
Classification: Likely benign for 3-hydroxyisobutyryl-CoA hydrolase deficiency. Last evaluated: 2025-09-28. Review status: criteria provided, single submitter. Criteria: Invitae Variant Classification Sherloc (09022015). Collection method: clinical testing. Allele origin: germline.

Blueprint Genetics
Classification: Likely benign. Last evaluated: 2024-11-06. Review status: criteria provided, single submitter. Criteria: ACMG Guidelines, 2015. Collection method: clinical testing. Allele origin: germline.

PreventionGenetics, part of Exact Sciences
Classification: Likely benign for HIBCH-related condition. Last evaluated: 2020-03-23. Review status: no assertion criteria provided. Collection method: clinical testing. Allele origin: germline. Not counted in ClinVar's aggregate classification.
Comment: This variant is classified as likely benign based on ACMG/AMP sequence variant interpretation guidelines (Richards et al. 2015 PMID: 25741868, with internal and published modifications).